The following is an entry in ClinVar:

NM_000213.5(ITGB4):c.1002+4C>T

Gene: ITGB4 (integrin subunit beta 4; plus strand). Cytogenetic location: 17q25.1.
Variant type: single nucleotide variant.
Coding change: c.1002+4C>T on transcript NM_000213.5 (MANE Select); 4 bases into the intron after coding-DNA position 1002, C replaced by T.
Molecular consequence: intron variant.
Genome position (GRCh38, 1-based): chr17:75,730,508, C>T. VCF-style: chr17-75730508-C-T. GRCh37 (hg19) VCF-style: chr17-73726589-C-T.
Other names: c.1002+4C>T (NM_001005619.2, NM_001005731.3, NM_001438834.1 and 1 more transcripts).
Identifiers: ClinVar variation 3614770 (VCV003614770.2).

ClinVar aggregate classification (germline): Uncertain significance (1 of 4 stars; one submission).

gnomAD v4.1: 14 of 1,613,436 alleles (0.00087%); highest among the groups gnomAD compares: Admixed American, 0.0033%; no homozygotes.

Submission:

Labcorp Genetics (formerly Invitae), Labcorp
Classification: Uncertain significance. Last evaluated: 2024-10-04. Review status: criteria provided, single submitter. Criteria: Invitae Variant Classification Sherloc (09022015). Collection method: clinical testing. Allele origin: germline.
Comment: This sequence change falls in intron 8 of the ITGB4 gene. It does not directly change the encoded amino acid sequence of the ITGB4 protein. It affects a nucleotide within the consensus splice site. The frequency data for this variant in the population databases is considered unreliable, as metrics indicate poor data quality at this position in the gnomAD database. This variant has not been reported in the literature in individuals affected with ITGB4-related conditions. Variants that disrupt the consensus splice site are a relatively common cause of aberrant splicing (PMID: 17576681, 9536098). Algorithms developed to predict the effect of sequence changes on RNA splicing suggest that this variant is not likely to affect RNA splicing. In summary, the available evidence is currently insufficient to determine the role of this variant in disease. Therefore, it has been classified as a Variant of Uncertain Significance.

Literature cited by the submitters: PubMed 17576681; PubMed 9536098.